The following continues an entry in ClinVar:

NM_000237.3(LPL):c.662T>C (p.Ile221Thr)

Gene: LPL. ClinVar aggregate classification (germline): Conflicting classifications of pathogenicity. Pathogenic (11); Likely pathogenic (3); Uncertain significance (1).

Submissions 12 to 16 of 16:

Mendelics
Classification: Pathogenic for Hyperlipidemia, familial combined, LPL related. Last evaluated: 2022-05-04. Review status: criteria provided, single submitter. Criteria: Mendelics Assertion Criteria 2019. Collection method: clinical testing. Allele origin: germline.

Genetic Services Laboratory, University of Chicago
Classification: Likely pathogenic. Last evaluated: 2020-12-22. Review status: criteria provided, single submitter. Criteria: ACMG Guidelines, 2015. Collection method: clinical testing. Allele origin: germline. Affected: yes.
Comment: DNA sequence analysis of the LPL gene demonstrated a sequence change, c.662T>C, in exon 5 that results in an amino acid change, p.Ile221Thr. This sequence change has been described in the gnomAD database with a low overall population frequency of 0.002% and a frequency of 0.005% in east Asian sub group (dbSNP rs118204061). This sequence change has been described in individuals with hypertriglyceridemia in the heterozygous state (PMIDs: 21159338, 27055971, 17717288), and in individuals and family with lipoprotein ligase deficiency in the homozygous and compound heterozygous states (PMIDs: 1674945, 22095987, 16972177). The p.Ile221Thr change affects a highly conserved amino acid residue located in a domain of the lipoprotein lipase (LPL) that is known to be functional. Functional study shows p.Ile221Thr disrupts the enzyme activity of LPL (PMID: 1674945). Collectively these evidences indicate that the p.Ile221Thr variant is pathogenic.

Broad Center for Mendelian Genomics, Broad Institute of MIT and Harvard
Classification: Uncertain significance for Hyperlipidemia, familial combined, LPL related. Last evaluated: 2020-01-22. Review status: criteria provided, single submitter. Criteria: ACMG Guidelines, 2015. Collection method: curation. Allele origin: germline. Inheritance: Autosomal dominant inheritance.
Comment: This variant has also been reported in ClinVar as pathogenic (Variation ID: 1529). In vitro functional studies provide some evidence that the p.Ile221Thr variant may impact protein function (PMID: 1505655, 1674945, 11893776). However, these types of assays may not accurately represent biological function. Computational prediction tools and conservation analyses suggest that this variant may impact the protein, though this information is not predictive enough to determine pathogenicity. Three affected individuals with this variant have an alternative molecular basis for familial combined hyperlipidemia, suggesting that this variant may not be pathogenic (PMID: 16972177). In summary, the clinical significance of the p.Ile221Thr variant is uncertain. ACMG/AMP Criteria applied: PS4_supporting, PP3, BP5 (Richards 2015).

Illumina Laboratory Services, Illumina
Classification: Pathogenic for Hyperlipoproteinemia, type I. Last evaluated: 2017-04-27. Review status: criteria provided, single submitter. Criteria: ICSL Variant Classification Criteria 09 May 2019. Collection method: clinical testing. Allele origin: germline.
Comment: Across nine studies, the LPL c.662T>C (p.Ile221Thr) missense variant, which is also referred to as p.Ile194Thr, was identified in 18 subjects with familial lipoprotein lipase deficiency or severe hypertriglyceridemia, including four homozygotes, six compound heterozygotes, and eight heterozygotes in whom a second variant was not identified, and in a heterozygous state in at least two unaffected family members of patients (Henderson et al. 1991; Dichek et al. 1991; Santer et al. 2005; Nierman et al. 2006; Wang et al. 2007; Ooi et al. 2011; Rabacchi et al. 2015; Rodrigues et al. 2016; Tani et al. 2016). The variant was absent from 522 total control individuals in these studies. The variant is reported at a frequency of 0.00012 in the European American population of the Exome Sequencing Project, but this is based on only one allele in a region of good sequencing coverage so the variant is presumed to be rare in the general population. Functional studies demonstrated that despite finding the variant protein in the culture medium, the variant protein had virtually no lipolytic activity. Further, the amount of intracellular variant LPL protein was found to be higher than wildtype and it is suggested that the variant protein may not be secreted appropriately (Henderson et al. 1991). These results were confirmed in studies by Dichek et al. (1991) and Fojo et al. (1992). Based on the collective evidence, the p.Ile221Thr variant is classified as pathogenic for familial lipoprotein lipase deficiency. This variant was observed by ICSL as part of a predisposition screen in an ostensibly healthy population.

OMIM
Classification: Pathogenic for LIPOPROTEIN LIPASE DEFICIENCY. Last evaluated: 1991-06-01. Review status: no assertion criteria provided. Collection method: literature only. Allele origin: germline. Not counted in ClinVar's aggregate classification.

Literature cited by the submitters: PubMed 35923617 (cited by Kasturba Medical College, Manipal, Kasturba Medical College, Manipal, Manipal Academy of Higher Education, Manipal, India); PubMed 1674945 (cited by 7 submitters); PubMed 22095987 (cited by 3 submitters); PubMed 25966443 (cited by 4 submitters); PubMed 11983347 (cited by Natera, Inc.); PubMed 30655019 (cited by Natera, Inc.); PubMed 1702428 (cited by 5 submitters); PubMed 15877202 (cited by Labcorp Genetics (formerly Invitae), Labcorp and Illumina Laboratory Services, Illumina); PubMed 11893776 (cited by Ambry Genetics and Broad Center for Mendelian Genomics, Broad Institute of MIT and Harvard); PubMed 1479292 (cited by Ambry Genetics and Broad Center for Mendelian Genomics, Broad Institute of MIT and Harvard); PubMed 1505655 (cited by 4 submitters); PubMed 16972177 (cited by 3 submitters); PubMed 17717288 (cited by 3 submitters); PubMed 21159338 (cited by Ambry Genetics and Broad Center for Mendelian Genomics, Broad Institute of MIT and Harvard); PubMed 27055971 (cited by Ambry Genetics and Illumina Laboratory Services, Illumina); PubMed 30389453 (cited by Ambry Genetics); PubMed 18350203 (cited by Broad Center for Mendelian Genomics, Broad Institute of MIT and Harvard); PubMed 27573733 (cited by Illumina Laboratory Services, Illumina).